The following is an entry in ClinVar:

NM_006612.6(KIF1C):c.2777G>A (p.Arg926Gln)

Gene: KIF1C (kinesin family member 1C; plus strand). Cytogenetic location: 17p13.2.
Variant type: single nucleotide variant.
Coding change: c.2777G>A on transcript NM_006612.6 (MANE Select); coding-DNA position 2777, G replaced by A.
Protein change: p.Arg926Gln; replaces arginine 926 with glutamine.
Molecular consequence: missense variant.
Genome position (GRCh38, 1-based): chr17:5,023,616, G>A. VCF-style: chr17-5023616-G-A. GRCh37 (hg19) VCF-style: chr17-4926911-G-A.
Other names: c.2777G>A (NM_006612.5); short protein forms R926Q.
Identifiers: ClinVar variation 1015990 (VCV001015990.6), dbSNP rs200925951, ClinGen allele CA8319393.

ClinVar aggregate classification (germline): Uncertain significance. Review status: criteria provided, multiple submitters, no conflicts (2 of 4 stars). 2 submissions from 2 submitters: Uncertain significance (2). Last evaluated 2023-12-08.

Conditions:
Inborn genetic diseases. Identifiers: MedGen C0950123, MeSH D030342.
Spastic ataxia 2. Also called: Ataxia, spastic, 2, autosomal recessive. Identifiers: Orphanet 397946, MedGen C1969796, MONDO:0012651, OMIM 611302.

Allele frequency attached by ClinVar (database versions not stated): gnomAD exomes below 0.00001; gnomAD 0.00001; TOPMed 0.00001.
gnomAD v4.1: 7 of 1,613,442 alleles (0.00043%); highest among the groups gnomAD compares: Admixed American, 0.0017%; no homozygotes.

Submissions (2):

Ambry Genetics
Classification: Uncertain significance for Inborn genetic diseases. Last evaluated: 2023-12-08. Review status: criteria provided, single submitter. Criteria: Ambry Variant Classification Scheme 2023. Collection method: clinical testing. Allele origin: germline.

Labcorp Genetics (formerly Invitae), Labcorp
Classification: Uncertain significance for Spastic ataxia 2. Last evaluated: 2022-05-08. Review status: criteria provided, single submitter. Criteria: Invitae Variant Classification Sherloc (09022015). Collection method: clinical testing. Allele origin: germline.
Comment: This sequence change replaces arginine, which is basic and polar, with glutamine, which is neutral and polar, at codon 926 of the KIF1C protein (p.Arg926Gln). This variant is present in population databases (rs200925951, gnomAD 0.007%). This variant has not been reported in the literature in individuals affected with KIF1C-related conditions. ClinVar contains an entry for this variant (Variation ID: 1015990). Algorithms developed to predict the effect of missense changes on protein structure and function are either unavailable or do not agree on the potential impact of this missense change (SIFT: "Tolerated"; PolyPhen-2: "Possibly Damaging"; Align-GVGD: "Class C0"). In summary, the available evidence is currently insufficient to determine the role of this variant in disease. Therefore, it has been classified as a Variant of Uncertain Significance.